The following is an entry in ClinVar:

ClinVar aggregate classification (germline): Conflicting classifications of pathogenicity. Review status: criteria provided, conflicting classifications (1 of 4 stars). 2 submissions from 2 submitters: Pathogenic (1); Uncertain significance (1). Last evaluated 2022-07-06.

Conditions:
Episodic ataxia type 2 (EA2). Also called: EPISODIC ATAXIA, NYSTAGMUS-ASSOCIATED; ATAXIA, EPISODIC, WITH NYSTAGMUS; ATAXIA, FAMILIAL PAROXYSMAL; CEREBELLAR ATAXIA, PAROXYSMAL, ACETAZOLAMIDE-RESPONSIVE; CEREBELLOPATHY, HEREDITARY PAROXYSMAL; ACETAZOLAMIDE-RESPONSIVE HEREDITARY PAROXYSMAL CEREBELLAR ATAXIA. Identifiers: Orphanet 97, MedGen C1720416, MONDO:0007163, OMIM 108500.
Developmental and epileptic encephalopathy, 42 (DEE42A). Also called: Epileptic encephalopathy, early infantile, 42; DEVELOPMENTAL AND EPILEPTIC ENCEPHALOPATHY 42A; EPILEPTIC ENCEPHALOPATHY, EARLY INFANTILE, 42A. Identifiers: MedGen C4310716, MONDO:0014917, OMIM 617106.

Submissions (2):

Labcorp Genetics (formerly Invitae), Labcorp
Classification: Pathogenic for Developmental and epileptic encephalopathy, 42; Episodic ataxia type 2. Last evaluated: 2022-07-06. Review status: criteria provided, single submitter. Criteria: Invitae Variant Classification Sherloc (09022015). Collection method: clinical testing. Allele origin: germline.
Comment: For these reasons, this variant has been classified as Pathogenic. Advanced modeling of protein sequence and biophysical properties (such as structural, functional, and spatial information, amino acid conservation, physicochemical variation, residue mobility, and thermodynamic stability) performed at Invitae indicates that this missense variant is expected to disrupt CACNA1A protein function. This sequence change replaces phenylalanine, which is neutral and non-polar, with leucine, which is neutral and non-polar, at codon 301 of the CACNA1A protein (p.Phe301Leu). This variant is not present in population databases (gnomAD no frequency). This missense change has been observed in individual(s) with clinical features of CACNA1A-related conditions (Invitae; external communication). It has also been observed to segregate with disease in related individuals. ClinVar contains an entry for this variant (Variation ID: 804614).

Athena Diagnostics
Classification: Uncertain significance. Last evaluated: 2019-03-20. Review status: criteria provided, single submitter. Criteria: Athena Diagnostics Criteria. Collection method: clinical testing. Allele origin: germline.

NM_001127222.2(CACNA1A):c.901T>C (p.Phe301Leu)

Gene: CACNA1A (calcium voltage-gated channel subunit alpha1 A; minus strand). Cytogenetic location: 19p13.13.
Variant type: single nucleotide variant.
Coding change: c.901T>C on transcript NM_001127222.2 (MANE Select); coding-DNA position 901, T replaced by C.
Protein change: p.Phe301Leu; replaces phenylalanine 301 with leucine.
Molecular consequence: missense variant.
Genome position (GRCh38, 1-based): chr19:13,359,683, A>G on the plus strand (T>C on the coding strand, the complement: CACNA1A is on the minus strand). VCF-style: chr19-13359683-A-G. GRCh37 (hg19) VCF-style: chr19-13470497-A-G.
Other names: c.901T>C, p.Phe301Leu (NM_000068.4, NM_001127221.2, NM_001174080.2 and 1 more transcripts); short protein forms F301L.
Identifiers: ClinVar variation 804614 (VCV000804614.6), dbSNP rs1599276954, ClinGen allele CA404347149.